The following is an entry in ClinVar:

NM_000051.4(ATM):c.3805A>T (p.Lys1269Ter)

Gene: ATM (ATM serine/threonine kinase; plus strand). Cytogenetic location: 11q22.3.
Variant type: single nucleotide variant.
Coding change: c.3805A>T on transcript NM_000051.4 (MANE Select); coding-DNA position 3805, A replaced by T.
Protein change: p.Lys1269Ter; replaces lysine 1269 with a stop codon.
Molecular consequence: nonsense.
Genome position (GRCh38, 1-based): chr11:108,284,285, A>T. VCF-style: chr11-108284285-A-T. GRCh37 (hg19) VCF-style: chr11-108155012-A-T.
Other names: c.3805A>T, p.Lys1269Ter (NM_001351834.2); short protein forms K1269*.
Identifiers: ClinVar variation 4292796 (VCV004292796.1).

ClinVar aggregate classification (germline): Pathogenic (1 of 4 stars; one submission).

Conditions:
Ataxia-telangiectasia syndrome (AT). Also called: Ataxia-telangiectasia, complementation group D; LOUIS-BAR SYNDROME; Cerebello-oculocutaneous telangiectasia; Immunodeficiency with ataxia telangiectasia; Ataxia-telangiectasia, complementation group E; Ataxia telangiectasia (A-T). Identifiers: Orphanet 100, MedGen C0004135, MONDO:0008840, OMIM 208900.

Submission:

3billion
Classification: Pathogenic for Ataxia-telangiectasia syndrome. Last evaluated: 2025-03-27. Review status: criteria provided, single submitter. Criteria: ACMG Guidelines, 2015. Collection method: clinical testing. Allele origin: germline. Affected: yes.
Comment: The variant is not observed in the gnomAD v4.1.0 dataset. Predicted Consequence/Location: Stop-gained (nonsense): predicted to result in a loss or disruption of normal protein function through nonsense-mediated decay (NMD) or protein truncation. Multiple pathogenic variants are reported downstream of the variant. The variant was homozygous. Therefore, this variant is classified as Pathogenic according to the recommendation of ACMG/AMP guideline.